The following is an entry in ClinVar:

NM_001165960.1(ALOXE3):c.32C>T (p.Pro11Leu)

Genes: ALOXE3 (arachidonate epidermal lipoxygenase 3; minus strand), LOC126862485 (CDK7 strongly-dependent group 2 enhancer GRCh37_chr17:8020998-8022197; plus strand). Cytogenetic location: 17p13.1.
Variant type: single nucleotide variant.
Coding change: c.32C>T on transcript NM_001165960.1; coding-DNA position 32, C replaced by T.
Protein change: p.Pro11Leu; replaces proline 11 with leucine.
Molecular consequence: missense variant.
Genome position (GRCh38, 1-based): chr17:8,118,747, G>A on the plus strand (C>T on the coding strand, the complement: ALOXE3 is on the minus strand). VCF-style: chr17-8118747-G-A. GRCh37 (hg19) VCF-style: chr17-8022065-G-A.
Other names: short protein forms P11L.
Identifiers: ClinVar variation 1188973 (VCV001188973.8), dbSNP rs3027232, ClinGen allele CA8368605.
Genomic context (GRCh38, chr17:8,118,747, plus strand): 5'-ACGCCCGACCTCATTCTCTGCTCTGGAGTAGGGCAGGTCAGGAAAGCGAAATACAGCGCC[G>A]GCAAACAGGGTCTGAATGCCCCGCGTGGCATTCTTTCCGCTCCAGGACCGCCCTGGGCCT-3'

ClinVar aggregate classification (germline): Benign. Review status: criteria provided, multiple submitters, no conflicts (2 of 4 stars). 3 submissions from 3 submitters: Benign (3). Last evaluated 2021-07-14.

Conditions:
Autosomal recessive congenital ichthyosis 3 (ARCI3). Also called: ICHTHYOSIS, LAMELLAR, 5. Identifiers: MedGen C3539888, MONDO:0011680, OMIM 606545.

Allele frequency attached by ClinVar (database versions not stated): gnomAD exomes 0.25207 and 0.33405; ExAC 0.33316; 1000 Genomes Project 30x 0.37071; gnomAD 0.27769 and 0.28437; TOPMed 0.29916; 1000 Genomes Project 0.37400.
gnomAD v4.1: 393,769 of 1,537,118 alleles (26%); highest among the groups gnomAD compares: East Asian, 51%; 55,796 homozygotes.

Submissions (3):

Genome-Nilou Lab
Classification: Benign for Autosomal recessive congenital ichthyosis 3. Last evaluated: 2021-07-14. Review status: criteria provided, single submitter. Criteria: ACMG Guidelines, 2015. Collection method: clinical testing. Allele origin: germline. Affected: no.

GeneDx
Classification: Benign. Last evaluated: 2018-11-10. Review status: criteria provided, single submitter. Criteria: GeneDx Variant Classification Process June 2021. Collection method: clinical testing. Allele origin: germline. Affected: yes.
Comment: This variant is associated with the following publications: (PMID: 26576379)

Breakthrough Genomics
Classification: Benign. Review status: criteria provided, single submitter. Criteria: ACMG Guidelines, 2015. Collection method: not provided. Allele origin: germline. Inheritance: Autosomal recessive inheritance. Affected: yes.